The following is an entry in ClinVar:

NM_000642.3(AGL):c.974C>G (p.Thr325Ser)

Gene: AGL (amylo-alpha-1,6-glucosidase and 4-alpha-glucanotransferase; plus strand). Cytogenetic location: 1p21.2.
Variant type: single nucleotide variant.
Coding change: c.974C>G on transcript NM_000642.3 (MANE Select); coding-DNA position 974, C replaced by G.
Protein change: p.Thr325Ser; replaces threonine 325 with serine.
Molecular consequence: missense variant.
Genome position (GRCh38, 1-based): chr1:99,874,702, C>G. VCF-style: chr1-99874702-C-G. GRCh37 (hg19) VCF-style: chr1-100340258-C-G.
Other names: c.974C>G, p.Thr325Ser (NM_000644.3, NM_001425325.1, NM_001425326.1 and 3 more transcripts); c.926C>G, p.Thr309Ser (NM_000646.3); c.770C>G, p.Thr257Ser (NM_001425328.1, NM_001425329.1); c.596C>G, p.Thr199Ser (NM_001425332.1); short protein forms T325S, T309S, T199S, T257S.
Identifiers: ClinVar variation 1409248 (VCV001409248.7), dbSNP rs2101126080, ClinGen allele CA341342890.
Genomic context (GRCh38, chr1:99,874,702, plus strand): 5'-TTTGTAGATATTTGCATTTAAGGTATCGTCTTTTCTTTCTTTTAGAAAATAGGCGAGTAA[C>G]CAAGTCTGATCCAAACCAACACCTTACGATTATTCAAGATCCTGAATACAGACGGTTTGG-3'
Protein context (NP_000633.2, residues 315-335): RLLTQENRRV[Thr325Ser]KSDPNQHLTI

ClinVar aggregate classification (germline): Uncertain significance. Review status: criteria provided, multiple submitters, no conflicts (2 of 4 stars). 3 submissions from 3 submitters: Uncertain significance (3). Last evaluated 2023-04-11.

Conditions:
Glycogen storage disease type III (GSD3). Also called: Cori disease; FORBES DISEASE. Identifiers: Orphanet 366, MedGen C0017922, MONDO:0009291, OMIM 232400.

gnomAD v4.1: 1 of 1,593,284 alleles (0.000063%); highest among the groups gnomAD compares: Non-Finnish European, 0.000086%; no homozygotes.

Submissions (3):

Genome-Nilou Lab
Classification: Uncertain significance for Glycogen storage disease type III. Last evaluated: 2023-04-11. Review status: criteria provided, single submitter. Criteria: ACMG Guidelines, 2015. Collection method: clinical testing. Allele origin: germline. Affected: no.

Labcorp Genetics (formerly Invitae), Labcorp
Classification: Uncertain significance for Glycogen storage disease type III. Last evaluated: 2021-09-03. Review status: criteria provided, single submitter. Criteria: Invitae Variant Classification Sherloc (09022015). Collection method: clinical testing. Allele origin: germline.
Comment: This sequence change replaces threonine with serine at codon 325 of the AGL protein (p.Thr325Ser). The threonine residue is weakly conserved and there is a small physicochemical difference between threonine and serine. This variant is not present in population databases (ExAC no frequency). This variant has not been reported in the literature in individuals affected with AGL-related conditions. Algorithms developed to predict the effect of missense changes on protein structure and function (SIFT, PolyPhen-2, Align-GVGD) all suggest that this variant is likely to be tolerated. In summary, the available evidence is currently insufficient to determine the role of this variant in disease. Therefore, it has been classified as a Variant of Uncertain Significance.

Fulgent Genetics
Classification: Uncertain significance for Glycogen storage disease type III. Last evaluated: 2021-08-10. Review status: criteria provided, single submitter. Criteria: ACMG Guidelines, 2015. Collection method: clinical testing. Allele origin: unknown.